The following is an entry in ClinVar:

NM_001393504.1(MAST3):c.848A>G (p.His283Arg)

Gene: MAST3 (microtubule associated serine/threonine kinase 3; plus strand). Cytogenetic location: 19p13.11.
Variant type: single nucleotide variant.
Coding change: c.848A>G on transcript NM_001393504.1 (MANE Select); coding-DNA position 848, A replaced by G.
Protein change: p.His283Arg; replaces histidine 283 with arginine.
Molecular consequence: missense variant.
Genome position (GRCh38, 1-based): chr19:18,124,269, A>G. VCF-style: chr19-18124269-A-G. GRCh37 (hg19) VCF-style: chr19-18235079-A-G.
Other names: c.872A>G, p.His291Arg (NM_001393501.1); c.851A>G, p.His284Arg (NM_001393502.1); c.848A>G, p.His283Arg (NM_001393503.1); c.845A>G, p.His282Arg (NM_001393505.1); c.800A>G, p.His267Arg (NM_001393506.1, NM_001393513.1); c.827A>G, p.His276Arg (NM_001393507.1); c.782A>G, p.His261Arg (NM_001393508.1, NM_001393516.1); c.779A>G, p.His260Arg (NM_001393509.1, NM_001393510.1, NM_001393512.1 and 2 more transcripts); and 4 more; short protein forms H245R, H253R, H254R, H259R, H260R, H261R, H267R, H276R.
Identifiers: ClinVar variation 3777676 (VCV003777676.1).
Genomic context (GRCh38, chr19:18,124,269, plus strand): 5'-CCCAGGCCAGACGGTGCTGAGGACCTGTGGGTGATGCCACGACCCACCTCCCCCAGGCCC[A>G]TGAGCGTTCGGACAGTGAGGAGGTCAGCTTCATCGTCCAGCTTGTCCGGAAACTGCTGAT-3'
Protein context (NP_001380433.1, residues 273-293): EKLERLLQDA[His283Arg]ERSDSEEVSF

ClinVar aggregate classification (germline): Uncertain significance (1 of 4 stars; one submission).

gnomAD v4.1: 5 of 1,605,654 alleles (0.00031%); highest among the groups gnomAD compares: Admixed American, 0.0034%; no homozygotes.

Submission:

GeneDx
Classification: Uncertain significance. Last evaluated: 2024-10-11. Review status: criteria provided, single submitter. Criteria: GeneDx Variant Classification Process June 2021. Collection method: clinical testing. Allele origin: germline. Affected: yes.
Comment: In silico analysis supports that this missense variant has a deleterious effect on protein structure/function; Has not been previously published as pathogenic or benign to our knowledge